The following is an entry in ClinVar:

NM_001085411.3(NADK2):c.1229T>C (p.Val410Ala)

Gene: NADK2 (NAD kinase 2, mitochondrial; minus strand). Cytogenetic location: 5p13.2.
Variant type: single nucleotide variant.
Coding change: c.1229T>C on transcript NM_001085411.3 (MANE Select); coding-DNA position 1229, T replaced by C.
Protein change: p.Val410Ala; replaces valine 410 with alanine.
Molecular consequence: missense variant.
Genome position (GRCh38, 1-based): chr5:36,195,244, A>G on the plus strand (T>C on the coding strand, the complement: NADK2 is on the minus strand). VCF-style: chr5-36195244-A-G. GRCh37 (hg19) VCF-style: chr5-36195346-A-G.
Other names: c.740T>C, p.Val247Ala (NM_001287340.2, NM_153013.5); c.806T>C, p.Val269Ala (NM_001287341.2); short protein forms V410A, V247A, V269A.
Identifiers: ClinVar variation 2912678 (VCV002912678.3), dbSNP rs2546159477, ClinGen allele CA359450158.

ClinVar aggregate classification (germline): Uncertain significance (1 of 4 stars; one submission).

Conditions:
Progressive encephalopathy with leukodystrophy due to DECR deficiency. Identifiers: Orphanet 431361, MedGen C1857252, MONDO:0014464, OMIM 616034.

Submission:

Labcorp Genetics (formerly Invitae), Labcorp
Classification: Uncertain significance for Progressive encephalopathy with leukodystrophy due to DECR deficiency. Last evaluated: 2023-01-24. Review status: criteria provided, single submitter. Criteria: Invitae Variant Classification Sherloc (09022015). Collection method: clinical testing. Allele origin: germline.
Comment: This variant has not been reported in the literature in individuals affected with NADK2-related conditions. In summary, the available evidence is currently insufficient to determine the role of this variant in disease. Therefore, it has been classified as a Variant of Uncertain Significance. Advanced modeling of protein sequence and biophysical properties (such as structural, functional, and spatial information, amino acid conservation, physicochemical variation, residue mobility, and thermodynamic stability) performed at Invitae indicates that this missense variant is not expected to disrupt NADK2 protein function. This variant is not present in population databases (gnomAD no frequency). This sequence change replaces valine, which is neutral and non-polar, with alanine, which is neutral and non-polar, at codon 410 of the NADK2 protein (p.Val410Ala).